The following is an entry in ClinVar:

ClinVar aggregate classification (germline): Uncertain significance (1 of 4 stars; one submission).

Submission:

CeGaT Center for Human Genetics Tuebingen
Classification: Uncertain significance. Last evaluated: 2026-09-01. Review status: criteria provided, single submitter. Criteria: CeGaT Center For Human Genetics Tuebingen Variant Classification Criteria Version 2. Collection method: clinical testing. Allele origin: germline. Affected: yes. Observed: 1 variant allele.
Comment: PHIP: PM2, BP4

NM_017934.7(PHIP):c.2693A>G (p.Glu898Gly)

Gene: PHIP (PHIP subunit of CUL4-Ring ligase complex; minus strand). Cytogenetic location: 6q14.1.
Variant type: single nucleotide variant.
Coding change: c.2693A>G on transcript NM_017934.7 (MANE Select); coding-DNA position 2693, A replaced by G.
Protein change: p.Glu898Gly; replaces glutamic acid 898 with glycine.
Molecular consequence: missense variant.
Genome position (GRCh38, 1-based): chr6:78,982,962, T>C on the plus strand (A>G on the coding strand, the complement: PHIP is on the minus strand). VCF-style: chr6-78982962-T-C. GRCh37 (hg19) VCF-style: chr6-79692679-T-C.
Other names: short protein forms E898G.
Identifiers: ClinVar variation 5040826 (VCV005040826.1).